The following is an entry in ClinVar:

NM_000540.3(RYR1):c.5628G>A (p.Glu1876=)

Gene: RYR1 (ryanodine receptor 1; plus strand). Cytogenetic location: 19q13.2.
Variant type: single nucleotide variant.
Coding change: c.5628G>A on transcript NM_000540.3 (MANE Select); coding-DNA position 5628, G replaced by A.
Protein change: p.Glu1876=; no amino-acid change (glutamic acid 1876 retained).
Molecular consequence: synonymous variant.
Genome position (GRCh38, 1-based): chr19:38,489,257, G>A. VCF-style: chr19-38489257-G-A. GRCh37 (hg19) VCF-style: chr19-38979897-G-A.
Other names: c.5628G>A, p.Glu1876= (NM_001042723.2); c.5628G>A (NM_000540.2).
Identifiers: ClinVar variation 1589327 (VCV001589327.12), dbSNP rs868445318, ClinGen allele CA308096517.

ClinVar aggregate classification (germline): Likely benign. Review status: criteria provided, multiple submitters, no conflicts (2 of 4 stars). 3 submissions from 3 submitters: Likely benign (2). 1 of the submissions does not count toward it. Last evaluated 2023-10-17.

Conditions:
RYR1-related disorder. Also called: RYR1-related condition; RYR1-related disorders. Identifiers: MedGen CN239331.

Allele frequency attached by ClinVar (database versions not stated): gnomAD exomes below 0.00001; TOPMed below 0.00001.
gnomAD v4.1: 7 of 1,611,948 alleles (0.00043%); highest among the groups gnomAD compares: Middle Eastern, 0.05%; no homozygotes.

Submissions (3):

Labcorp Genetics (formerly Invitae), Labcorp
Classification: Likely benign for RYR1-related disorder. Last evaluated: 2023-10-17. Review status: criteria provided, single submitter. Criteria: Invitae Variant Classification Sherloc (09022015). Collection method: clinical testing. Allele origin: germline.

Blueprint Genetics
Classification: Likely benign. Last evaluated: 2022-12-13. Review status: criteria provided, single submitter. Criteria: ACMG Guidelines, 2015. Collection method: clinical testing. Allele origin: germline.

PreventionGenetics, part of Exact Sciences
Classification: Likely benign for RYR1-related condition. Last evaluated: 2020-01-13. Review status: no assertion criteria provided. Collection method: clinical testing. Allele origin: germline. Not counted in ClinVar's aggregate classification.
Comment: This variant is classified as likely benign based on ACMG/AMP sequence variant interpretation guidelines (Richards et al. 2015 PMID: 25741868, with internal and published modifications).